The following is an entry in ClinVar:

NM_206933.4(USH2A):c.5144A>G (p.Glu1715Gly)

Genes: USH2A (usherin; minus strand), USH2A-AS2 (USH2A antisense RNA 2; plus strand). Cytogenetic location: 1q41.
Variant type: single nucleotide variant.
Coding change: c.5144A>G on transcript NM_206933.4 (MANE Select); coding-DNA position 5144, A replaced by G.
Protein change: p.Glu1715Gly; replaces glutamic acid 1715 with glycine.
Molecular consequence: missense variant.
Genome position (GRCh38, 1-based): chr1:216,084,721, T>C on the plus strand (A>G on the coding strand, the complement: USH2A is on the minus strand). VCF-style: chr1-216084721-T-C. GRCh37 (hg19) VCF-style: chr1-216258063-T-C.
Other names: c.5144A>G (NM_206933.2); short protein forms E1715G.
Identifiers: ClinVar variation 2445968 (VCV002445968.1), dbSNP rs528113865, ClinGen allele CA344858766.

ClinVar aggregate classification (germline): Likely pathogenic (1 of 4 stars; one submission).

Conditions:
Usher syndrome. Also called: Usher Syndromes; Usher's syndrome. Identifiers: Orphanet 886, MedGen CN469326, MeSH D052245, MONDO:0019501. Disease mechanism: loss of function.

Allele frequency attached by ClinVar (database versions not stated): TOPMed below 0.00001.

Submission:

Women's Health and Genetics/Laboratory Corporation of America, LabCorp
Classification: Likely pathogenic for Retinitis pigmentosa-deafness syndrome. Last evaluated: 2023-02-24. Review status: criteria provided, single submitter. Criteria: LabCorp Variant Classification Summary - May 2015. Collection method: clinical testing. Allele origin: germline.
Comment: Variant summary: USH2A c.5144A>G (p.Glu1715Gly) results in a non-conservative amino acid change located in the Laminin G domain (IPR001791) of the encoded protein sequence. Four of five in-silico tools predict a benign effect of the variant on protein function. The variant allele was found at a frequency of 4e-06 in 250524 control chromosomes (gnomAD). c.5144A>G has been reported in the literature in individuals affected with hearing loss (example: Booth_2018). These data indicate that the variant is likely to be associated with disease. To our knowledge, no experimental evidence demonstrating an impact on protein function has been reported. No clinical diagnostic laboratories have submitted clinical-significance assessments for this variant to ClinVar after 2014. Based on the evidence outlined above, the variant was classified as likely pathogenic.

Literature cited by the submitters: PubMed 29266521.